The following is an entry in ClinVar:

NM_206937.2(LIG4):c.1204A>G (p.Ile402Val)

Gene: LIG4 (DNA ligase 4; minus strand). Cytogenetic location: 13q33.3.
Variant type: single nucleotide variant.
Coding change: c.1204A>G on transcript NM_206937.2 (MANE Select); coding-DNA position 1204, A replaced by G.
Protein change: p.Ile402Val; replaces isoleucine 402 with valine.
Molecular consequence: missense variant.
Genome position (GRCh38, 1-based): chr13:108,210,065, T>C on the plus strand (A>G on the coding strand, the complement: LIG4 is on the minus strand). VCF-style: chr13-108210065-T-C. GRCh37 (hg19) VCF-style: chr13-108862413-T-C.
Other names: c.1204A>G, p.Ile402Val (NM_001098268.2, NM_001352598.2, NM_001352599.2 and 6 more transcripts); c.1003A>G, p.Ile335Val (NM_001330595.2); c.1240A>G, p.Ile414Val (NM_001352604.2); short protein forms I335V, I402V, I414V.
Identifiers: ClinVar variation 1025605 (VCV001025605.6), dbSNP rs374180232, ClinGen allele CA7043733.

ClinVar aggregate classification (germline): Uncertain significance (1 of 4 stars; one submission).

Conditions:
DNA ligase IV deficiency. Identifiers: Orphanet 99812, MedGen C1847827, MONDO:0011686, OMIM 606593.

Allele frequency attached by ClinVar (database versions not stated): gnomAD 0.00001; gnomAD exomes 0.00001 and 0.00004; TOPMed 0.00001; ExAC 0.00002; ESP Exome Variant Server 0.00015; 1000 Genomes Project 30x 0.00016; 1000 Genomes Project 0.00020.
gnomAD v4.1: 62 of 1,613,014 alleles (0.0038%); highest among the groups gnomAD compares: Non-Finnish European, 0.0051%; no homozygotes.

Submission:

Labcorp Genetics (formerly Invitae), Labcorp
Classification: Uncertain significance for DNA ligase IV deficiency. Last evaluated: 2022-06-04. Review status: criteria provided, single submitter. Criteria: Invitae Variant Classification Sherloc (09022015). Collection method: clinical testing. Allele origin: germline.
Comment: This sequence change replaces isoleucine, which is neutral and non-polar, with valine, which is neutral and non-polar, at codon 402 of the LIG4 protein (p.Ile402Val). This variant is present in population databases (rs374180232, gnomAD 0.007%). This variant has not been reported in the literature in individuals affected with LIG4-related conditions. ClinVar contains an entry for this variant (Variation ID: 1025605). Algorithms developed to predict the effect of missense changes on protein structure and function output the following: SIFT: "Tolerated"; PolyPhen-2: "Benign"; Align-GVGD: "Class C0". The valine amino acid residue is found in multiple mammalian species, which suggests that this missense change does not adversely affect protein function. In summary, the available evidence is currently insufficient to determine the role of this variant in disease. Therefore, it has been classified as a Variant of Uncertain Significance.